The following is an entry in ClinVar:

NM_024408.4(NOTCH2):c.4150C>G (p.Gln1384Glu)

Gene: NOTCH2 (notch receptor 2; minus strand). Cytogenetic location: 1p12.
Variant type: single nucleotide variant.
Coding change: c.4150C>G on transcript NM_024408.4 (MANE Select); coding-DNA position 4150, C replaced by G.
Protein change: p.Gln1384Glu; replaces glutamine 1384 with glutamic acid.
Molecular consequence: missense variant.
Genome position (GRCh38, 1-based): chr1:119,925,666, G>C on the plus strand (C>G on the coding strand, the complement: NOTCH2 is on the minus strand). VCF-style: chr1-119925666-G-C. GRCh37 (hg19) VCF-style: chr1-120468289-G-C.
Other names: short protein forms Q1384E.
Identifiers: ClinVar variation 3662574 (VCV003662574.2).

ClinVar aggregate classification (germline): Uncertain significance (1 of 4 stars; one submission).

Conditions:
Hajdu-Cheney syndrome (HJCYS). Also called: ACROOSTEOLYSIS WITH OSTEOPOROSIS AND CHANGES IN SKULL AND MANDIBLE; Acroosteolysis dominant type; SERPENTINE FIBULA-POLYCYSTIC KIDNEY SYNDROME. Identifiers: Orphanet 955, MedGen C0917715, MONDO:0007057, OMIM 102500.

gnomAD v4.1: 2 of 1,612,416 alleles (0.00012%); highest among the groups gnomAD compares: Non-Finnish European, 0.00017%; no homozygotes.

Submission:

Labcorp Genetics (formerly Invitae), Labcorp
Classification: Uncertain significance for Hajdu-Cheney syndrome. Last evaluated: 2024-08-15. Review status: criteria provided, single submitter. Criteria: Invitae Variant Classification Sherloc (09022015). Collection method: clinical testing. Allele origin: germline.
Comment: This sequence change replaces glutamine, which is neutral and polar, with glutamic acid, which is acidic and polar, at codon 1384 of the NOTCH2 protein (p.Gln1384Glu). This variant is not present in population databases (gnomAD no frequency). This variant has not been reported in the literature in individuals affected with NOTCH2-related conditions. Invitae Evidence Modeling of protein sequence and biophysical properties (such as structural, functional, and spatial information, amino acid conservation, physicochemical variation, residue mobility, and thermodynamic stability) indicates that this missense variant is not expected to disrupt NOTCH2 protein function with a negative predictive value of 80%. In summary, the available evidence is currently insufficient to determine the role of this variant in disease. Therefore, it has been classified as a Variant of Uncertain Significance.